The following is an entry in ClinVar:

ClinVar aggregate classification (germline): Pathogenic (1 of 4 stars; one submission).

Conditions:
Nemaline myopathy 2 (NEM2). Also called: Nemaline myopathy 2, autosomal recessive. Identifiers: MedGen C1850569, MONDO:0009725, OMIM 256030.

Submission:

Labcorp Genetics (formerly Invitae), Labcorp
Classification: Pathogenic for Nemaline myopathy 2. Last evaluated: 2023-11-14. Review status: criteria provided, single submitter. Criteria: Invitae Variant Classification Sherloc (09022015). Collection method: clinical testing. Allele origin: germline.
Comment: This sequence change creates a premature translational stop signal (p.Asn8079Serfs*102) in the NEB gene. It is expected to result in an absent or disrupted protein product. Loss-of-function variants in NEB are known to be pathogenic (PMID: 25205138). This variant is not present in population databases (gnomAD no frequency). This variant has not been reported in the literature in individuals affected with NEB-related conditions. For these reasons, this variant has been classified as Pathogenic.

Literature cited by the submitters: PubMed 25205138.

NM_001164508.2(NEB):c.24130_24131insGC (p.Asn8044fs)

Genes: NEB (nebulin; minus strand), RIF1 (replication timing regulatory factor 1; plus strand). Cytogenetic location: 2q23.3.
Variant type: Insertion.
Coding change: c.24130_24131insGC on transcript NM_001164508.2 (MANE Select); coding-DNA positions 24130 to 24131, GC inserted.
Protein change: p.Asn8044fs; shifts the reading frame from asparagine 8044.
Molecular consequence: frameshift variant. On other transcripts: intron variant (1).
Genome position: GRCh38 VCF-style: chr2-151498336-T-TGC. GRCh37 (hg19) VCF-style: chr2-152354850-T-TGC.
Other names: c.24130_24131insGC, p.Asn8044fs (NM_001164507.2); c.24235_24236insGC, p.Asn8079fs (NM_001271208.2); c.18826-1969_18826-1968insGC (NM_004543.5); short protein forms N8079fs, N8044fs.
Identifiers: ClinVar variation 2695833 (VCV002695833.3), dbSNP rs2551872389, ClinGen allele CA2697551062.